The following is an entry in ClinVar:

NM_001378120.1(MBD5):c.3552G>A (p.Met1184Ile)

Gene: MBD5 (methyl-CpG binding domain protein 5; plus strand). Cytogenetic location: 2q23.1.
Variant type: single nucleotide variant.
Coding change: c.3552G>A on transcript NM_001378120.1 (MANE Select); coding-DNA position 3552, G replaced by A.
Protein change: p.Met1184Ile; replaces methionine 1184 with isoleucine.
Molecular consequence: missense variant.
Genome position (GRCh38, 1-based): chr2:148,485,749, G>A. VCF-style: chr2-148485749-G-A. GRCh37 (hg19) VCF-style: chr2-149243318-G-A.
Other names: c.2853G>A, p.Met951Ile (NM_018328.5); short protein forms M1184I, M951I.
Identifiers: ClinVar variation 2580753 (VCV002580753.1), dbSNP rs1681317901, ClinGen allele CA348724349.

ClinVar aggregate classification (germline): Uncertain significance (1 of 4 stars; one submission).

Allele frequency attached by ClinVar (database versions not stated): TOPMed below 0.00001; gnomAD 0.00001.

Submission:

GeneDx
Classification: Uncertain significance. Last evaluated: 2023-03-23. Review status: criteria provided, single submitter. Criteria: GeneDx Variant Classification Process June 2021. Collection method: clinical testing. Allele origin: germline. Affected: yes.
Comment: Not observed at significant frequency in large population cohorts (gnomAD); In silico analysis supports that this missense variant does not alter protein structure/function; Has not been previously published as pathogenic or benign to our knowledge